The following is an entry in ClinVar:

NM_000038.6(APC):c.6604A>G (p.Lys2202Glu)

Gene: APC (APC regulator of Wnt signaling pathway; plus strand). Cytogenetic location: 5q22.2.
Variant type: single nucleotide variant.
Coding change: c.6604A>G on transcript NM_000038.6 (MANE Select); coding-DNA position 6604, A replaced by G.
Protein change: p.Lys2202Glu; replaces lysine 2202 with glutamic acid.
Molecular consequence: missense variant.
Genome position (GRCh38, 1-based): chr5:112,842,198, A>G. VCF-style: chr5-112842198-A-G. GRCh37 (hg19) VCF-style: chr5-112177895-A-G.
Other names: c.6604A>G, p.Lys2202Glu (NM_001127510.3, NM_001354895.2); c.6550A>G, p.Lys2184Glu (NM_001127511.3); c.6658A>G, p.Lys2220Glu (NM_001354896.2); c.6634A>G, p.Lys2212Glu (NM_001354897.2); c.6529A>G, p.Lys2177Glu (NM_001354898.2); c.6520A>G, p.Lys2174Glu (NM_001354899.2); c.6481A>G, p.Lys2161Glu (NM_001354900.2); c.6427A>G, p.Lys2143Glu (NM_001354901.2); and 5 more; short protein forms K2143E, K2212E, K2076E, K2161E, K2184E, K2220E, K1919E, K2042E.
Identifiers: ClinVar variation 923158 (VCV000923158.19), dbSNP rs1766258580, ClinGen allele CA16035781.
Genomic context (GRCh38, chr5:112,842,198, plus strand): 5'-GAATCTGAAAGTAAAGGAATCAAAGGAGGAAAAAAAGTTTATAAAAGTTTGATTACTGGA[A>G]AAGTTCGATCTAATTCAGAAATTTCAGGCCAAATGAAACAGCCCCTTCAAGCAAACATGC-3'
Protein context (NP_000029.2, residues 2192-2212): KKVYKSLITG[Lys2202Glu]VRSNSEISGQ

ClinVar aggregate classification (germline): Uncertain significance. Review status: criteria provided, multiple submitters, no conflicts (2 of 4 stars). 4 submissions from 4 submitters: Uncertain significance (4). Last evaluated 2024-04-16.

Conditions:
Hereditary cancer-predisposing syndrome. Also called: Neoplastic Syndromes, Hereditary; Tumor predisposition; Hereditary Cancer Syndrome; Hereditary neoplastic syndrome. Identifiers: Orphanet 140162, MedGen C0027672, MeSH D009386, MONDO:0015356.
Classic or attenuated familial adenomatous polyposis. Identifiers: MedGen CN372698, MONDO:0021057.
Familial adenomatous polyposis 1 (FAP1). Also called: FAMILIAL ADENOMATOUS POLYPOSIS 1, ATTENUATED; POLYPOSIS, ADENOMATOUS INTESTINAL. Identifiers: MedGen C2713442, MONDO:0021056, OMIM 175100. Disease mechanism: loss of function.

Submissions (4):

All of Us Research Program, National Institutes of Health
Classification: Uncertain significance for Classic or attenuated familial adenomatous polyposis. Last evaluated: 2024-04-16. Review status: criteria provided, single submitter. Criteria: ACMG Guidelines, 2015. Collection method: clinical testing. Allele origin: germline. Inheritance: Autosomal dominant inheritance. Observed: 1 variant allele, 1 heterozygote.
Comment: This missense variant replaces lysine with glutamic acid at codon 2202 of the APC protein. Computational prediction tools and conservation analyses are inconclusive regarding the impact of this variant on the protein function. Computational splicing tools suggest that this variant may not impact RNA splicing. To our knowledge, functional assays have not been performed for this variant nor has this variant been reported in individuals affected with hereditary cancer in the literature. This variant has not been identified in the general population by the Genome Aggregation Database (gnomAD). Available evidence is insufficient to determine the role of this variant in disease conclusively. Therefore, this variant is classified as a Variant of Uncertain Significance.

This study involves interpretation of variants in research participants for the purpose of population health screening. Participant phenotype was not available at the time of variant classification. Additional details can be found in publication PMID: 35346344, PMCID: PMC8962531

Color Diagnostics, LLC DBA Color Health
Classification: Uncertain significance for Hereditary cancer-predisposing syndrome. Last evaluated: 2023-12-05. Review status: criteria provided, single submitter. Criteria: ACMG Guidelines, 2015. Collection method: clinical testing. Allele origin: germline.
Comment: This missense variant replaces lysine with glutamic acid at codon 2202 of the APC protein. Computational prediction tools and conservation analyses are inconclusive regarding the impact of this variant on the protein function. Computational splicing tools suggest that this variant may not impact RNA splicing. To our knowledge, functional assays have not been performed for this variant nor has this variant been reported in individuals affected with hereditary cancer in the literature. This variant has not been identified in the general population by the Genome Aggregation Database (gnomAD). Available evidence is insufficient to determine the role of this variant in disease conclusively. Therefore, this variant is classified as a Variant of Uncertain Significance.

Labcorp Genetics (formerly Invitae), Labcorp
Classification: Uncertain significance for Familial adenomatous polyposis 1. Last evaluated: 2021-06-06. Review status: criteria provided, single submitter. Criteria: Invitae Variant Classification Sherloc (09022015). Collection method: clinical testing. Allele origin: germline.
Comment: This sequence change replaces lysine with glutamic acid at codon 2202 of the APC protein (p.Lys2202Glu). The lysine residue is highly conserved and there is a small physicochemical difference between lysine and glutamic acid. This variant is not present in population databases (ExAC no frequency). This variant has not been reported in the literature in individuals with APC-related conditions. Algorithms developed to predict the effect of missense changes on protein structure and function are either unavailable or do not agree on the potential impact of this missense change (SIFT: "Deleterious"; PolyPhen-2: "Probably Damaging"; Align-GVGD: "Class C0"). In summary, the available evidence is currently insufficient to determine the role of this variant in disease. Therefore, it has been classified as a Variant of Uncertain Significance.

Ambry Genetics
Classification: Uncertain significance for Hereditary cancer-predisposing syndrome. Last evaluated: 2020-07-30. Review status: criteria provided, single submitter. Criteria: Ambry Variant Classification Scheme 2023. Collection method: clinical testing. Allele origin: germline.
Comment: The p.K2202E variant (also known as c.6604A>G), located in coding exon 15 of the APC gene, results from an A to G substitution at nucleotide position 6604. The lysine at codon 2202 is replaced by glutamic acid, an amino acid with similar properties. This amino acid position is highly conserved in available vertebrate species. In addition, in silico predictors for this gene do not accurately predict pathogenicity. Since supporting evidence is limited at this time, the clinical significance of this alteration remains unclear.